The following is an entry in ClinVar:

ClinVar aggregate classification (germline): Uncertain significance (1 of 4 stars; one submission).

Allele frequency attached by ClinVar (database versions not stated): gnomAD exomes below 0.00001.
gnomAD v4.1: 2 of 1,609,024 alleles (0.00012%); highest among the groups gnomAD compares: Non-Finnish European, 0.00017%; no homozygotes.

Submission:

GeneDx
Classification: Uncertain significance. Last evaluated: 2021-12-30. Review status: criteria provided, single submitter. Criteria: GeneDx Variant Classification Process June 2021. Collection method: clinical testing. Allele origin: germline. Affected: yes.
Comment: Not observed at significant frequency in large population cohorts (gnomAD); In silico analysis supports that this missense variant has a deleterious effect on protein structure/function; Has not been previously published as pathogenic or benign to our knowledge

NM_001378609.3(OTOGL):c.4679A>G (p.Tyr1560Cys)

Gene: OTOGL (otogelin like; plus strand). Cytogenetic location: 12q21.31.
Variant type: single nucleotide variant.
Coding change: c.4679A>G on transcript NM_001378609.3 (MANE Select); coding-DNA position 4679, A replaced by G.
Protein change: p.Tyr1560Cys; replaces tyrosine 1560 with cysteine.
Molecular consequence: missense variant.
Genome position (GRCh38, 1-based): chr12:80,336,491, A>G. VCF-style: chr12-80336491-A-G. GRCh37 (hg19) VCF-style: chr12-80730271-A-G.
Other names: c.4544A>G, p.Tyr1515Cys (NM_001368062.3); c.4679A>G, p.Tyr1560Cys (NM_001378610.3, NM_173591.7); short protein forms Y1515C, Y1560C.
Identifiers: ClinVar variation 1693405 (VCV001693405.2), dbSNP rs2137913941, ClinGen allele CA385880915.